The following is an entry in ClinVar:

ClinVar aggregate classification (germline): Likely benign. Review status: reviewed by expert panel (3 of 4 stars). 7 submissions from 7 submitters: Likely benign (1). 6 of the submissions do not count toward it. Last evaluated 2017-06-29.

Conditions:
Hereditary cancer-predisposing syndrome. Also called: Tumor predisposition; Hereditary Cancer Syndrome; Neoplastic Syndromes, Hereditary; Hereditary neoplastic syndrome. Identifiers: Orphanet 140162, MedGen C0027672, MeSH D009386, MONDO:0015356.
Hereditary breast ovarian cancer syndrome. Also called: Breast and ovarian cancer; Hereditary breast and ovarian cancer; Hereditary breast and ovarian cancer syndrome; Hereditary breast and/or ovarian cancer syndrome; BRCA1- and BRCA2-Associated Hereditary Breast and Ovarian Cancer; Hereditary breast and ovarian cancer syndrome (HBOC). Identifiers: Orphanet 145, MedGen C0677776, MeSH D061325, MONDO:0003582. Disease mechanism: loss of function.
Breast-ovarian cancer, familial, susceptibility to, 1 (BROVCA1). Also called: BRCA1 Hereditary Breast and Ovarian Cancer; OVARIAN CANCER, SUSCEPTIBILITY TO. Identifiers: Orphanet 145, MedGen C2676676, MONDO:0011450, OMIM 604370. Disease mechanism: loss of function.
BRCA1-related cancer predisposition. Identifiers: MedGen CN377757, MONDO:0700268.

Allele frequency attached by ClinVar (database versions not stated): gnomAD exomes below 0.00001.
gnomAD v4.1: 2 of 1,614,066 alleles (0.00012%); highest among the groups gnomAD compares: Admixed American, 0.0017%; no homozygotes.

Submissions (7):

Evidence-based Network for the Interpretation of Germline Mutant Alleles (ENIGMA)
Classification: Likely benign for Breast-ovarian cancer, familial, susceptibility to, 1. Last evaluated: 2017-06-29. Review status: reviewed by expert panel. Criteria: ENIGMA BRCA1/2 Classification Criteria (2017-06-29). Collection method: curation. Allele origin: germline.
Comment: Synonymous substitution variant, with low bioinformatic likelihood to result in a splicing aberration (Splicing prior probability 0.02).

Labcorp Genetics (formerly Invitae), Labcorp
Classification: Likely benign for Hereditary breast ovarian cancer syndrome. Last evaluated: 2024-12-02. Review status: criteria provided, single submitter. Criteria: Invitae Variant Classification Sherloc (09022015). Collection method: clinical testing. Allele origin: germline. Not counted in ClinVar's aggregate classification.

All of Us Research Program, National Institutes of Health
Classification: Likely benign for BRCA1-related cancer predisposition. Last evaluated: 2024-07-20. Review status: criteria provided, single submitter. Criteria: ACMG Guidelines, 2015. Collection method: clinical testing. Allele origin: germline. Inheritance: Autosomal dominant inheritance. Observed: 2 variant alleles, 2 heterozygotes. Not counted in ClinVar's aggregate classification.
Comment: This study involves interpretation of variants in research participants for the purpose of population health screening. Participant phenotype was not available at the time of variant classification. Additional details can be found in publication PMID: 35346344, PMCID: PMC8962531

Quest Diagnostics Nichols Institute San Juan Capistrano
Classification: Likely benign. Last evaluated: 2023-01-03. Review status: criteria provided, single submitter. Criteria: Quest Diagnostics criteria. Collection method: clinical testing. Allele origin: unknown. Not counted in ClinVar's aggregate classification.

Women's Health and Genetics/Laboratory Corporation of America, LabCorp
Classification: Likely benign. Last evaluated: 2021-11-20. Review status: criteria provided, single submitter. Criteria: LabCorp Variant Classification Summary - May 2015. Collection method: clinical testing. Allele origin: germline. Not counted in ClinVar's aggregate classification.

Color Diagnostics, LLC DBA Color Health
Classification: Likely benign for Hereditary cancer-predisposing syndrome. Last evaluated: 2017-08-03. Review status: criteria provided, single submitter. Criteria: ACMG Guidelines, 2015. Collection method: clinical testing. Allele origin: germline. Not counted in ClinVar's aggregate classification.

Ambry Genetics
Classification: Likely benign for Hereditary cancer-predisposing syndrome. Last evaluated: 2016-04-04. Review status: criteria provided, single submitter. Criteria: Ambry Variant Classification Scheme 2023. Collection method: clinical testing. Allele origin: germline. Not counted in ClinVar's aggregate classification.

NM_007294.4(BRCA1):c.4683C>T (p.Thr1561=)

Gene: BRCA1 (BRCA1 DNA repair associated; minus strand). Cytogenetic location: 17q21.31.
Variant type: single nucleotide variant.
Coding change: c.4683C>T on transcript NM_007294.4 (MANE Select); coding-DNA position 4683, C replaced by T.
Protein change: p.Thr1561=; no amino-acid change (threonine 1561 retained).
Molecular consequence: synonymous variant. On other transcripts: intron variant (1).
Genome position (GRCh38, 1-based): chr17:43,071,231, G>A on the plus strand (C>T on the coding strand, the complement: BRCA1 is on the minus strand). VCF-style: chr17-43071231-G-A. GRCh37 (hg19) VCF-style: chr17-41223248-G-A.
Other names: c.1371C>T, p.Thr457= (NM_001407985.1, NM_001407986.1, NM_001407990.1 and 13 more transcripts); c.1368C>T, p.Thr456= (NM_001408392.1, NM_001408396.1, NM_001408397.1 and 8 more transcripts); c.1365C>T, p.Thr455= (NM_001408406.1, NM_001408407.1, NM_001408408.1); c.1362C>T, p.Thr454= (NM_001408409.1); c.1299C>T, p.Thr433= (NM_001408410.1); c.1296C>T, p.Thr432= (NM_001408411.1); c.1293C>T, p.Thr431= (NM_001408412.1, NM_001408413.1, NM_001408414.1 and 2 more transcripts); c.1257C>T, p.Thr419= (NM_001408418.1, NM_001408419.1, NM_001408420.1); and 71 more.
Identifiers: ClinVar variation 230952 (VCV000230952.24), dbSNP rs878853265, ClinGen allele CA10580511.